The following is an entry in ClinVar:

ClinVar aggregate classification (germline): Benign/Likely benign. Review status: criteria provided, multiple submitters, no conflicts (2 of 4 stars). 2 submissions from 2 submitters: Benign (1); Likely benign (1). Last evaluated 2024-07-18.

Conditions:
Familial cancer of breast. Also called: Hereditary breast cancer; hereditary breast carcinoma; BREAST CANCER, FAMILIAL. Identifiers: Orphanet 227535, MedGen C0346153, MONDO:0016419, OMIM 114480. Disease mechanism: loss of function.

Submissions (2):

Myriad Genetics, Inc.
Classification: Benign for Familial cancer of breast. Last evaluated: 2024-07-18. Review status: criteria provided, single submitter. Criteria: Myriad Autosomal Dominant, Autosomal Recessive and X-Linked Classification Criteria (2023). Collection method: clinical testing. Allele origin: unknown.
Comment: This variant is considered benign. This variant is a silent/synonymous amino acid change and it is not expected to impact splicing.

Labcorp Genetics (formerly Invitae), Labcorp
Classification: Likely benign for Familial cancer of breast. Last evaluated: 2021-08-04. Review status: criteria provided, single submitter. Criteria: Invitae Variant Classification Sherloc (09022015). Collection method: clinical testing. Allele origin: germline.

NM_000465.4(BARD1):c.84G>T (p.Pro28=)

Gene: BARD1 (BRCA1 associated RING domain 1; minus strand). Cytogenetic location: 2q35.
Variant type: single nucleotide variant.
Coding change: c.84G>T on transcript NM_000465.4 (MANE Select); coding-DNA position 84, G replaced by T.
Protein change: p.Pro28=; no amino-acid change (proline 28 retained).
Molecular consequence: synonymous variant. On other transcripts: non-coding transcript variant (3).
Genome position (GRCh38, 1-based): chr2:214,809,486, C>A on the plus strand (G>T on the coding strand, the complement: BARD1 is on the minus strand). VCF-style: chr2-214809486-C-A. GRCh37 (hg19) VCF-style: chr2-215674210-C-A.
Other names: c.84G>T, p.Pro28= (NM_001282543.2, NM_001282545.2, NM_001282548.2 and 1 more transcripts).
Identifiers: ClinVar variation 1533242 (VCV001533242.10), dbSNP rs746695035, ClinGen allele CA431148478.